The following is an entry in ClinVar:

ClinVar aggregate classification (germline): Uncertain significance (1 of 4 stars; one submission).

Conditions:
Cardiovascular phenotype. Identifiers: MedGen CN230736.

Submission:

Ambry Genetics
Classification: Uncertain significance for Cardiovascular phenotype. Last evaluated: 2023-04-24. Review status: criteria provided, single submitter. Criteria: Ambry Variant Classification Scheme 2023. Collection method: clinical testing. Allele origin: germline.
Comment: The p.Q609P variant (also known as c.1826A>C), located in coding exon 15 of the BRAF gene, results from an A to C substitution at nucleotide position 1826. The glutamine at codon 609 is replaced by proline, an amino acid with similar properties. This amino acid position is conserved. In addition, this alteration is predicted to be deleterious by in silico analysis. Since supporting evidence is limited at this time, the clinical significance of this alteration remains unclear.

NM_004333.6(BRAF):c.1826A>C (p.Gln609Pro)

Gene: BRAF (B-Raf proto-oncogene, serine/threonine kinase; minus strand). Cytogenetic location: 7q34.
Variant type: single nucleotide variant.
Coding change: c.1826A>C on transcript NM_004333.6 (MANE Select); coding-DNA position 1826, A replaced by C.
Protein change: p.Gln609Pro; replaces glutamine 609 with proline.
Molecular consequence: missense variant.
Genome position (GRCh38, 1-based): chr7:140,753,309, T>G on the plus strand (A>C on the coding strand, the complement: BRAF is on the minus strand). VCF-style: chr7-140753309-T-G. GRCh37 (hg19) VCF-style: chr7-140453109-T-G.
Other names: c.1826A>C, p.Gln609Pro (NM_001354609.2, NM_001378468.1, NM_001378474.1); c.1946A>C, p.Gln649Pro (NM_001374244.1, NM_001374258.1); c.1835A>C, p.Gln612Pro (NM_001378467.1); c.1760A>C, p.Gln587Pro (NM_001378469.1); c.1724A>C, p.Gln575Pro (NM_001378470.1); c.1715A>C, p.Gln572Pro (NM_001378471.1); c.1670A>C, p.Gln557Pro (NM_001378472.1, NM_001378473.1); c.1562A>C, p.Gln521Pro (NM_001378475.1); short protein forms Q572P, Q575P, Q557P, Q609P, Q521P, Q587P, Q612P, Q649P.
Identifiers: ClinVar variation 2566897 (VCV002566897.2), dbSNP rs2128998196, ClinGen allele CA369542857.
Genomic context (GRCh38, chr7:140,753,309, plus strand): 5'-AGTGGAAAAATAGCCTCAATTCTTACCATCCACAAAATGGATCCAGACAACTGTTCAAAC[T>G]GATGGGACCCACTCCATCGAGATTTCACTGTAGCTAGACCAAAATCACCTATTTTTACTG-3'
Protein context (NP_004324.2, residues 599-619): TVKSRWSGSH[Gln609Pro]FEQLSGSILW